The following is an entry in ClinVar:

ClinVar aggregate classification (germline): Likely pathogenic (1 of 4 stars; one submission).

Submission:

GeneDx
Classification: Likely pathogenic. Last evaluated: 2021-09-16. Review status: criteria provided, single submitter. Criteria: GeneDx Variant Classification Process June 2021. Collection method: clinical testing. Allele origin: germline. Affected: yes.
Comment: Has not been previously published as pathogenic or benign to our knowledge; Nonsense variant in the C-terminus predicted to result in protein truncation, as the last 31 amino acids are lost, and other loss-of-function variants have been reported downstream in the Human Gene Mutation Database (Stenson et al., 2014); Not observed in large population cohorts (Lek et al., 2016)

NM_182925.5(FLT4):c.3999C>A (p.Tyr1333Ter)

Gene: FLT4 (fms related receptor tyrosine kinase 4; minus strand). Cytogenetic location: 5q35.3.
Variant type: single nucleotide variant.
Coding change: c.3999C>A on transcript NM_182925.5 (MANE Select); coding-DNA position 3999, C replaced by A.
Protein change: p.Tyr1333Ter; replaces tyrosine 1333 with a stop codon.
Molecular consequence: nonsense.
Genome position (GRCh38, 1-based): chr5:180,603,285, G>T on the plus strand (C>A on the coding strand, the complement: FLT4 is on the minus strand). VCF-style: chr5-180603285-G-T. GRCh37 (hg19) VCF-style: chr5-180030285-G-T.
Other names: short protein forms Y1333*.
Identifiers: ClinVar variation 1300689 (VCV001300689.2), dbSNP rs2127781697, ClinGen allele CA362495819.